The following is an entry in ClinVar:

ClinVar aggregate classification (germline): Uncertain significance (1 of 4 stars; one submission).

Conditions:
Inborn genetic diseases. Identifiers: MedGen C0950123, MeSH D030342.

Submission:

Ambry Genetics
Classification: Uncertain significance for Inborn genetic diseases. Last evaluated: 2018-12-13. Review status: criteria provided, single submitter. Criteria: Ambry Variant Classification Scheme 2023. Collection method: clinical testing. Allele origin: germline.
Comment: The p.Q472R variant (also known as c.1415A>G), located in coding exon 13 of the CC2D1A gene, results from an A to G substitution at nucleotide position 1415. The glutamine at codon 472 is replaced by arginine, an amino acid with highly similar properties. This amino acid position is poorly conserved in available vertebrate species. In addition, this alteration is predicted to be tolerated by in silico analysis. Since supporting evidence is limited at this time, the clinical significance of this alteration remains unclear.

NM_017721.5(CC2D1A):c.1415A>G (p.Gln472Arg)

Gene: CC2D1A (coiled-coil and C2 domain containing 1A; plus strand). Cytogenetic location: 19p13.12.
Variant type: single nucleotide variant.
Coding change: c.1415A>G on transcript NM_017721.5 (MANE Select); coding-DNA position 1415, A replaced by G.
Protein change: p.Gln472Arg; replaces glutamine 472 with arginine.
Molecular consequence: missense variant.
Genome position (GRCh38, 1-based): chr19:13,920,615, A>G. VCF-style: chr19-13920615-A-G. GRCh37 (hg19) VCF-style: chr19-14031428-A-G.
Other names: short protein forms Q472R.
Identifiers: ClinVar variation 985297 (VCV000985297.3), dbSNP rs1971376706, ClinGen allele CA404387120.